The following is an entry in ClinVar:

NM_000208.4(INSR):c.151G>A (p.Glu51Lys)

Gene: INSR (insulin receptor; minus strand). Cytogenetic location: 19p13.2.
Variant type: single nucleotide variant.
Coding change: c.151G>A on transcript NM_000208.4 (MANE Select); coding-DNA position 151, G replaced by A.
Protein change: p.Glu51Lys; replaces glutamic acid 51 with lysine.
Molecular consequence: missense variant.
Genome position (GRCh38, 1-based): chr19:7,267,846, C>T on the plus strand (G>A on the coding strand, the complement: INSR is on the minus strand). VCF-style: chr19-7267846-C-T. GRCh37 (hg19) VCF-style: chr19-7267857-C-T.
Other names: c.151G>A, p.Glu51Lys (NM_001079817.3); short protein forms E51K.
Identifiers: ClinVar variation 286286 (VCV000286286.21), dbSNP rs140852238, ClinGen allele CA9136158.

ClinVar aggregate classification (germline): Conflicting classifications of pathogenicity. Review status: criteria provided, conflicting classifications (1 of 4 stars). 5 submissions from 5 submitters: Uncertain significance (3); Likely benign (2). Last evaluated 2025-12-15.

Conditions:
Insulin-resistant diabetes mellitus AND acanthosis nigricans. Also called: INSULIN RECEPTOR, DEFECT IN, WITH INSULIN-RESISTANT DIABETES MELLITUS AND ACANTHOSIS NIGRICANS; IRAN, TYPE A; type A insulin resistance; DIABETES MELLITUS, INSULIN-RESISTANT, WITH ACANTHOSIS NIGRICANS, TYPE A; Insulin-resistance syndrome type A. Identifiers: Orphanet 2297, MedGen C0342278, MONDO:0012520, OMIM 610549.

Allele frequency attached by ClinVar (database versions not stated): gnomAD exomes 0.00013 and 0.00045; ESP Exome Variant Server 0.00015; gnomAD 0.00035 and 0.00038; TOPMed 0.00040; ExAC 0.00044; 1000 Genomes Project 0.00080; 1000 Genomes Project 30x 0.00109.
gnomAD v4.1: 237 of 1,614,096 alleles (0.015%); highest among the groups gnomAD compares: Admixed American, 0.26%; no homozygotes.

Submissions (5):

Labcorp Genetics (formerly Invitae), Labcorp
Classification: Likely benign. Last evaluated: 2025-12-15. Review status: criteria provided, single submitter. Criteria: Invitae Variant Classification Sherloc (09022015). Collection method: clinical testing. Allele origin: germline.

Mendelics
Classification: Likely benign for Insulin-resistant diabetes mellitus AND acanthosis nigricans. Last evaluated: 2019-05-28. Review status: criteria provided, single submitter. Criteria: Mendelics Assertion Criteria 2017. Collection method: clinical testing. Allele origin: unknown.

GeneDx
Classification: Uncertain significance. Last evaluated: 2019-05-03. Review status: criteria provided, single submitter. Criteria: GeneDx Variant Classification Process June 2021. Collection method: clinical testing. Allele origin: germline. Affected: yes.
Comment: In silico analysis, which includes protein predictors and evolutionary conservation, supports a deleterious effect; Has not been previously published as pathogenic or benign to our knowledge

Genetic Services Laboratory, University of Chicago
Classification: Uncertain significance. Last evaluated: 2016-04-18. Review status: criteria provided, single submitter. Criteria: ACMG Guidelines, 2015. Collection method: clinical testing. Allele origin: germline. Affected: no.

Eurofins Ntd Llc (ga)
Classification: Uncertain significance. Last evaluated: 2016-02-24. Review status: criteria provided, single submitter. Criteria: EGL Classification Definitions 2015. Collection method: clinical testing. Allele origin: germline. Observed: 1 variant allele, 1 heterozygote.